The following is an entry in ClinVar:

ClinVar aggregate classification (germline): Uncertain significance. Review status: criteria provided, multiple submitters, no conflicts (2 of 4 stars). 2 submissions from 2 submitters: Uncertain significance (2). Last evaluated 2022-02-04.

Conditions:
Neuropathy, hereditary sensory and autonomic, type 2A (HSAN2A). Also called: HSAN IIA; WNK1-Related HSAN2 (HSAN2A); ACROOSTEOLYSIS, GIACCAI TYPE; ACROOSTEOLYSIS, NEUROGENIC; MORVAN DISEASE; NEUROPATHY, CONGENITAL SENSORY. Identifiers: Orphanet 970, MedGen C2752089, MONDO:0024309, OMIM 201300.
Pseudohypoaldosteronism type 2C (PHA2C). Also called: Pseudohypoaldosteronism Type IIC. Identifiers: Orphanet 757, Orphanet 88940, MedGen C1840391, MONDO:0013778, OMIM 614492.

Allele frequency attached by ClinVar (database versions not stated): gnomAD 0.00001; ExAC 0.00002; gnomAD exomes below 0.00001 and 0.00001; TOPMed 0.00001.
gnomAD v4.1: 7 of 1,613,766 alleles (0.00043%); highest among the groups gnomAD compares: Non-Finnish European, 0.00059%; no homozygotes.

Submissions (2):

Fulgent Genetics
Classification: Uncertain significance for Neuropathy, hereditary sensory and autonomic, type 2A; Pseudohypoaldosteronism type 2C. Last evaluated: 2022-02-04. Review status: criteria provided, single submitter. Criteria: ACMG Guidelines, 2015. Collection method: clinical testing. Allele origin: unknown.

Labcorp Genetics (formerly Invitae), Labcorp
Classification: Uncertain significance for Neuropathy, hereditary sensory and autonomic, type 2A; Pseudohypoaldosteronism type 2C. Last evaluated: 2017-01-23. Review status: criteria provided, single submitter. Criteria: Invitae Variant Classification Sherloc (09022015). Collection method: clinical testing. Allele origin: germline.
Comment: Algorithms developed to predict the effect of missense changes on protein structure and function output the following: (SIFT: "Tolerated"; PolyPhen-2: "Benign"; Align-GVGD: "Class C0"). The serine amino acid residue is found in multiple mammalian species, suggesting that this missense change does not adversely affect protein function. These predictions have not been confirmed by published functional studies. In summary, this variant is a rare missense change that is not predicted to affect protein function. There is no indication that it causes disease, but the available evidence is currently insufficient to prove that conclusively. Therefore, it has been classified as a Variant of Uncertain Significance. This variant is present in population databases (rs769345308, ExAC 0.003%) but has not been reported in the literature in individuals with a WNK1-related disease. This sequence change replaces proline with serine at codon 1844 of the WNK1 protein (p.Pro1844Ser). The proline residue is moderately conserved and there is a moderate physicochemical difference between proline and serine.

NM_018979.4(WNK1):c.5530C>T (p.Pro1844Ser)

Gene: WNK1 (WNK lysine deficient protein kinase 1; plus strand). Cytogenetic location: 12p13.33.
Variant type: single nucleotide variant.
Coding change: c.5530C>T on transcript NM_018979.4 (MANE Select); coding-DNA position 5530, C replaced by T.
Protein change: p.Pro1844Ser; replaces proline 1844 with serine.
Molecular consequence: missense variant.
Genome position (GRCh38, 1-based): chr12:894,582, C>T. VCF-style: chr12-894582-C-T. GRCh37 (hg19) VCF-style: chr12-1003748-C-T.
Other names: c.6310C>T, p.Pro2104Ser (NM_001184985.2); c.4786C>T, p.Pro1596Ser (NM_014823.3); c.6286C>T, p.Pro2096Ser (NM_213655.5); short protein forms P2096S, P1844S, P2104S, P1596S.
Identifiers: ClinVar variation 471199 (VCV000471199.9), dbSNP rs769345308, ClinGen allele CA6383225.